The following is an entry in ClinVar:

ClinVar aggregate classification (germline): Uncertain significance (1 of 4 stars; one submission).

Conditions:
Inborn genetic diseases. Identifiers: MedGen C0950123, MeSH D030342.

Submission:

Ambry Genetics
Classification: Uncertain significance for Inborn genetic diseases. Last evaluated: 2024-09-06. Review status: criteria provided, single submitter. Criteria: Ambry Variant Classification Scheme 2023. Collection method: clinical testing. Allele origin: germline.
Comment: The c.190A>G (p.M64V) alteration is located in exon 5 (coding exon 4) of the SNAP25 gene. This alteration results from an A to G substitution at nucleotide position 190, causing the methionine (M) at amino acid position 64 to be replaced by a valine (V). This variant was not reported in population-based cohorts in the Genome Aggregation Database (gnomAD). This amino acid position is highly conserved in available vertebrate species. This missense alteration is located in a region that has a low rate of benign missense variation (Lek, 2016; Firth, 2009). This alteration is predicted to be deleterious by in silico analysis. Based on insufficient or conflicting evidence, the clinical significance of this alteration remains unclear.

NM_130811.4(SNAP25):c.190A>G (p.Met64Val)

Gene: SNAP25 (synaptosome associated protein 25; plus strand). Cytogenetic location: 20p12.2.
Variant type: single nucleotide variant.
Coding change: c.190A>G on transcript NM_130811.4 (MANE Select); coding-DNA position 190, A replaced by G.
Protein change: p.Met64Val; replaces methionine 64 with valine.
Molecular consequence: missense variant. On other transcripts: intron variant (3).
Genome position (GRCh38, 1-based): chr20:10,293,187, A>G. VCF-style: chr20-10293187-A-G. GRCh37 (hg19) VCF-style: chr20-10273835-A-G.
Other names: c.190A>G, p.Met64Val (NM_001322903.2, NM_001322904.2, NM_001322905.2 and 6 more transcripts); c.281+188A>G (NM_001424415.1, NM_003081.5, NM_001322902.2); short protein forms M64V.
Identifiers: ClinVar variation 3446590 (VCV003446590.1).